The following is an entry in ClinVar:

NM_000600.5(IL6):c.22G>A (p.Ala8Thr)

Genes: IL6 (interleukin 6; plus strand), IL6-AS1 (IL6 antisense RNA 1; minus strand), LOC126859963 (BRD4-independent group 4 enhancer GRCh37_chr7:22766269-22767468; plus strand). Cytogenetic location: 7p15.3.
Variant type: single nucleotide variant.
Coding change: c.22G>A on transcript NM_000600.5 (MANE Select); coding-DNA position 22, G replaced by A.
Protein change: p.Ala8Thr; replaces alanine 8 with threonine.
Molecular consequence: missense variant. On other transcripts: intron variant (2).
Genome position (GRCh38, 1-based): chr7:22,727,446, G>A. VCF-style: chr7-22727446-G-A. GRCh37 (hg19) VCF-style: chr7-22767065-G-A.
Other names: c.20-67G>A (NM_001371096.1); c.-19+165G>A (NM_001318095.2); short protein forms A8T.
Identifiers: ClinVar variation 5003138 (VCV005003138.1).

ClinVar aggregate classification (germline): Uncertain significance (1 of 4 stars; one submission).

Conditions:
Cerebral arteriovenous malformation (BAVM). Also called: Arteriovenous malformations of the brain; CEREBRAL ARTERIOVENOUS MALFORMATIONS. Identifiers: Orphanet 46724, MedGen C0917804, MONDO:0007154, OMIM 108010, HP:0002408.

Submission:

OLLIN Analises Genomicas, OLLIN
Classification: Uncertain significance for Cerebral arteriovenous malformation. Last evaluated: 2026-08-06. Review status: criteria provided, single submitter. Criteria: ACMG Guidelines 2015 PMID 25741868. Collection method: clinical testing. Allele origin: germline.
Comment: This missense variant, located in exon 2 (of 5), is absent from gnomAD and ClinVar and has not been identified in the literature. In silico analysis predicts that this variant has a tolerated effect. According to the currently available evidence, this variant has been classified as uncertain significance (PM2_P, BP4).